The following is an entry in ClinVar:

NM_018161.5(NADSYN1):c.253G>A (p.Asp85Asn)

Gene: NADSYN1 (NAD synthetase 1; plus strand). Cytogenetic location: 11q13.4.
Variant type: single nucleotide variant.
Coding change: c.253G>A on transcript NM_018161.5 (MANE Select); coding-DNA position 253, G replaced by A.
Protein change: p.Asp85Asn; replaces aspartic acid 85 with asparagine.
Molecular consequence: missense variant.
Genome position (GRCh38, 1-based): chr11:71,458,534, G>A. VCF-style: chr11-71458534-G-A. GRCh37 (hg19) VCF-style: chr11-71169580-G-A.
Other names: short protein forms D85N.
Identifiers: ClinVar variation 1309574 (VCV001309574.4), dbSNP rs372644255, ClinGen allele CA6162870.

ClinVar aggregate classification (germline): Uncertain significance. Review status: criteria provided, multiple submitters, no conflicts (2 of 4 stars). 3 submissions from 3 submitters: Uncertain significance (3). Last evaluated 2025-05-05.

Conditions:
Inborn genetic diseases. Identifiers: MedGen C0950123, MeSH D030342.

Allele frequency attached by ClinVar (database versions not stated): gnomAD exomes 0.00005 and 0.00001; ESP Exome Variant Server 0.00008; gnomAD 0.00002; ExAC 0.00002; TOPMed 0.00005.
gnomAD v4.1: 81 of 1,606,268 alleles (0.005%); highest among the groups gnomAD compares: Non-Finnish European, 0.0065%; no homozygotes.

Submissions (3):

Ambry Genetics
Classification: Uncertain significance for Inborn genetic diseases. Last evaluated: 2025-05-05. Review status: criteria provided, single submitter. Criteria: Ambry Variant Classification Scheme 2023. Collection method: clinical testing. Allele origin: germline.

GeneDx
Classification: Uncertain significance. Last evaluated: 2019-10-25. Review status: criteria provided, single submitter. Criteria: GeneDx Variant Classification Process June 2021. Collection method: clinical testing. Allele origin: germline. Affected: yes.
Comment: In silico analysis, which includes protein predictors and evolutionary conservation, supports a deleterious effect; Has not been previously published as pathogenic or benign to our knowledge; Variants in candidate genes are classified as variants of uncertain significance in accordance with ACMG guidelines (Richards et al., 2015)

Breakthrough Genomics
Classification: Uncertain significance. Review status: criteria provided, single submitter. Criteria: ACMG Guidelines, 2015. Collection method: not provided. Allele origin: germline. Inheritance: Autosomal recessive inheritance. Affected: yes.